The following is an entry in ClinVar:

ClinVar aggregate classification (germline): Likely pathogenic (1 of 4 stars; one submission).

Allele frequency attached by ClinVar (database versions not stated): gnomAD exomes below 0.00001.
gnomAD v4.1: 1 of 1,210,112 alleles (0.000083%); highest among the groups gnomAD compares: Non-Finnish European, 0.00011%; no homozygotes.

Submission:

Labcorp Genetics (formerly Invitae), Labcorp
Classification: Likely pathogenic. Last evaluated: 2023-08-14. Review status: criteria provided, single submitter. Criteria: Invitae Variant Classification Sherloc (09022015). Collection method: clinical testing. Allele origin: germline.
Comment: This sequence change replaces glycine, which is neutral and non-polar, with alanine, which is neutral and non-polar, at codon 994 of the COL4A5 protein (p.Gly994Ala). This variant is not present in population databases (gnomAD no frequency). This variant has not been reported in the literature in individuals affected with COL4A5-related conditions. Advanced modeling of protein sequence and biophysical properties (such as structural, functional, and spatial information, amino acid conservation, physicochemical variation, residue mobility, and thermodynamic stability) performed at Invitae indicates that this missense variant is expected to disrupt COL4A5 protein function. This variant disrupts the triple helix domain of COL4A5. Glycine residues within the Gly-Xaa-Yaa repeats of the triple helix domain are required for the structure and stability of fibrillar collagens (PMID: 7695699, 8218237, 19344236). In COL4A5, missense variants at these glycine residues are significantly enriched in individuals with disease (PMID: 23720012, 27627812) compared to the general population (ExAC). In summary, the currently available evidence indicates that the variant is pathogenic, but additional data are needed to prove that conclusively. Therefore, this variant has been classified as Likely Pathogenic.

Literature cited by the submitters: PubMed 7695699; PubMed 8218237; PubMed 19344236; PubMed 23720012; PubMed 27627812.

NM_033380.3(COL4A5):c.2981G>C (p.Gly994Ala)

Gene: COL4A5 (collagen type IV alpha 5 chain; plus strand). Cytogenetic location: Xq22.3.
Variant type: single nucleotide variant.
Coding change: c.2981G>C on transcript NM_033380.3 (MANE Select); coding-DNA position 2981, G replaced by C.
Protein change: p.Gly994Ala; replaces glycine 994 with alanine.
Molecular consequence: missense variant.
Genome position (GRCh38, 1-based): chrX:108,624,299, G>C. VCF-style: chrX-108624299-G-C. GRCh37 (hg19) VCF-style: chrX-107867529-G-C.
Other names: c.2981G>C, p.Gly994Ala (NM_000495.5); short protein forms G994A.
Identifiers: ClinVar variation 2861242 (VCV002861242.3), dbSNP rs2524414428, ClinGen allele CA413853497.
Genomic context (GRCh38, chrX:108,624,299, plus strand): 5'-TACCTGGAGTTTCAGGGCCAAAAGGTTATCAGGGTTTGCCTGGAGACCCAGGGCAACCTG[G>C]ACTGAGTGGACAACCTGGATTACCAGGACCACCAGGTAAGTGTGATAGGCCATTTGTAGC-3'
Protein context (NP_203699.1, residues 984-1004): QGLPGDPGQP[Gly994Ala]LSGQPGLPGP